The following is an entry in ClinVar:

NM_020191.4(MRPS22):c.948_949del (p.Ala317fs)

Gene: MRPS22 (mitochondrial ribosomal protein S22; plus strand). Cytogenetic location: 3q23.
Variant type: Deletion.
Coding change: c.948_949del on transcript NM_020191.4 (MANE Select); coding-DNA positions 948 to 949, 2 bases deleted (GG; older notation c.948_949delGG).
Protein change: p.Ala317fs; shifts the reading frame from alanine 317.
Molecular consequence: frameshift variant.
Genome position (GRCh38, 1-based): chr3:139,355,751-139,355,752, GG deleted; deleting any 2 consecutive bases within chr3:139,355,749-139,355,752 gives the same sequence; the c. name uses the placement nearest the transcript's 3' end. VCF-style (leftmost placement, unchanged base first): chr3-139355748-AGG-A. GRCh37 (hg19) VCF-style: chr3-139074590-AGG-A.
Other names: c.825_826del, p.Ala276fs (NM_001363857.1); c.945_946del, p.Ala316fs (NM_001363893.1); short protein forms A276fs, A316fs, A317fs.
Identifiers: ClinVar variation 4279693 (VCV004279693.1).

ClinVar aggregate classification (germline): Pathogenic (1 of 4 stars; one submission).

Conditions:
Hypotonia with lactic acidemia and hyperammonemia. Identifiers: Orphanet 137908, MedGen C2673642, MONDO:0012718, OMIM 611719.

Submission:

Daryl Scott Lab, Baylor College of Medicine
Classification: Pathogenic for Hypotonia with lactic acidemia and hyperammonemia. Last evaluated: 2025-08-25. Review status: criteria provided, single submitter. Criteria: ACMG Guidelines, 2015. Collection method: clinical testing. Allele origin: maternal. Affected: yes. Observed: 1 heterozygote.
Comment: PVS1,PM2, PM3